The following is an entry in ClinVar:

ClinVar aggregate classification (germline): Conflicting classifications of pathogenicity. Review status: criteria provided, conflicting classifications (1 of 4 stars). 2 submissions from 2 submitters: Likely pathogenic (1); Uncertain significance (1). Last evaluated 2025-01-07.

gnomAD v4.1: 2 of 1,612,432 alleles (0.00012%); highest among the groups gnomAD compares: Non-Finnish European, 0.00017%; no homozygotes.

Submissions (2):

Women's Health and Genetics/Laboratory Corporation of America, LabCorp
Classification: Uncertain significance. Last evaluated: 2025-01-07. Review status: criteria provided, single submitter. Criteria: LabCorp Variant Classification Summary - May 2015. Collection method: clinical testing. Allele origin: germline.
Comment: Variant summary: TPO c.2012G>T (p.Trp671Leu) results in a non-conservative amino acid change in the encoded protein sequence. Five of five in-silico tools predict a damaging effect of the variant on protein function. The variant allele was found at a frequency of 8e-06 in 250092 control chromosomes (gnomAD). The available data on variant occurrences in the general population are insufficient to allow any conclusion about variant significance. c.2012G>T has been reported in the literature in individuals affected with Hypothyroidism (Huang_2021). These data do not allow any conclusion about variant significance. To our knowledge, no experimental evidence demonstrating an impact on protein function has been reported. The following publication has been ascertained in the context of this evaluation (PMID: 34276565). ClinVar contains an entry for this variant (Variation ID: 3342387). Based on the evidence outlined above, the variant was classified as uncertain significance.

GeneDx
Classification: Likely pathogenic. Last evaluated: 2024-03-04. Review status: criteria provided, single submitter. Criteria: GeneDx Variant Classification Process June 2021. Collection method: clinical testing. Allele origin: germline. Affected: yes.
Comment: Not observed at significant frequency in large population cohorts (gnomAD); In silico analysis supports that this missense variant has a deleterious effect on protein structure/function; This variant is associated with the following publications: (PMID: 38295322, 34276565)

Literature cited by the submitters: PubMed 34276565 (cited by Women's Health and Genetics/Laboratory Corporation of America, LabCorp).

NM_001206744.2(TPO):c.2012G>T (p.Trp671Leu)

Genes: LALTOP (lung cancer associated lncRNA targeting TOP2A; minus strand), TPO (thyroid peroxidase; plus strand). Cytogenetic location: 2p25.3.
Variant type: single nucleotide variant.
Coding change: c.2012G>T on transcript NM_001206744.2 (MANE Select); coding-DNA position 2012, G replaced by T.
Protein change: p.Trp671Leu; replaces tryptophan 671 with leucine.
Molecular consequence: missense variant.
Genome position (GRCh38, 1-based): chr2:1,495,994, G>T. VCF-style: chr2-1495994-G-T. GRCh37 (hg19) VCF-style: chr2-1499766-G-T.
Other names: c.2012G>T, p.Trp671Leu (NM_000547.6, NM_175721.3); c.1841G>T, p.Trp614Leu (NM_001206745.2, NM_175719.4); c.1493G>T, p.Trp498Leu (NM_175722.3); short protein forms W498L, W614L, W671L.
Identifiers: ClinVar variation 3342387 (VCV003342387.3).